The following is an entry in ClinVar:

ClinVar aggregate classification (germline): Uncertain significance (1 of 4 stars; one submission).

Allele frequency attached by ClinVar (database versions not stated): gnomAD exomes below 0.00001; TOPMed below 0.00001.

Submission:

Labcorp Genetics (formerly Invitae), Labcorp
Classification: Uncertain significance. Last evaluated: 2021-12-08. Review status: criteria provided, single submitter. Criteria: Invitae Variant Classification Sherloc (09022015). Collection method: clinical testing. Allele origin: germline.
Comment: In summary, the available evidence is currently insufficient to determine the role of this variant in disease. Therefore, it has been classified as a Variant of Uncertain Significance. Algorithms developed to predict the effect of missense changes on protein structure and function output the following: SIFT: "Tolerated"; PolyPhen-2: "Benign"; Align-GVGD: "Class C0". The phenylalanine amino acid residue is found in multiple mammalian species, which suggests that this missense change does not adversely affect protein function. This variant has not been reported in the literature in individuals affected with PDE6B-related conditions. This variant is not present in population databases (gnomAD no frequency). This sequence change replaces leucine, which is neutral and non-polar, with phenylalanine, which is neutral and non-polar, at codon 47 of the PDE6B protein (p.Leu47Phe).

NM_000283.4(PDE6B):c.139C>T (p.Leu47Phe)

Gene: PDE6B (phosphodiesterase 6B; plus strand). Cytogenetic location: 4p16.3.
Variant type: single nucleotide variant.
Coding change: c.139C>T on transcript NM_000283.4 (MANE Select); coding-DNA position 139, C replaced by T.
Protein change: p.Leu47Phe; replaces leucine 47 with phenylalanine.
Molecular consequence: missense variant.
Genome position (GRCh38, 1-based): chr4:625,765, C>T. VCF-style: chr4-625765-C-T. GRCh37 (hg19) VCF-style: chr4-619554-C-T.
Other names: c.139C>T, p.Leu47Phe (NM_001145291.2); short protein forms L47F.
Identifiers: ClinVar variation 1413241 (VCV001413241.6), dbSNP rs1378109538, ClinGen allele CA355906245.